The following is an entry in ClinVar:

NM_000152.5(GAA):c.1814G>A (p.Gly605Asp)

Gene: GAA (alpha glucosidase; plus strand). Cytogenetic location: 17q25.3.
Variant type: single nucleotide variant.
Coding change: c.1814G>A on transcript NM_000152.5 (MANE Select); coding-DNA position 1814, G replaced by A.
Protein change: p.Gly605Asp; replaces glycine 605 with aspartic acid.
Molecular consequence: missense variant.
Genome position (GRCh38, 1-based): chr17:80,112,637, G>A. VCF-style: chr17-80112637-G-A. GRCh37 (hg19) VCF-style: chr17-78086436-G-A.
Other names: c.1814G>A, p.Gly605Asp (NM_001079803.3, NM_001079804.3, NM_001406741.1 and 1 more transcripts); short protein forms G605D.
Identifiers: ClinVar variation 4876522 (VCV004876522.1).

ClinVar aggregate classification (germline): Uncertain significance (1 of 4 stars; one submission).

Conditions:
Glycogen storage disease, type II (IOPD). Also called: Pompe Disease; CARDIOMEGALIA GLYCOGENICA DIFFUSA; GLYCOGENOSIS, GENERALIZED, CARDIAC FORM; GSD II; POMPE DISEASE, INFANTILE-ONSET; GLYCOGEN STORAGE DISEASE II, INFANTILE-ONSET. Identifiers: Orphanet 365, MedGen C0017921, MONDO:0009290, OMIM 232300.

Submission:

Genomenon, Inc
Classification: Uncertain significance for Glycogen storage disease, type II. Last evaluated: 2026-07-01. Review status: criteria provided, single submitter. Criteria: Genomenon Sequence Variant Interpretation Standards - Updated. Collection method: curation. Allele origin: germline. Affected: yes.
Comment: GAA p.Gly605Asp (c.1814G>A) is a missense variant that changes the amino acid at codon 605 from Glycine to Aspartic acid. This variant has been observed in at least one proband with a GAA-related disorder (PMID:22185990). It is absent or not present at a significant frequency in gnomAD. In silico models predict that this variant is possibly or probably damaging. In conclusion, we classify GAA p.Gly605Asp (c.1814G>A) as a variant of uncertain significance.

Literature cited by the submitters: PubMed 22185990.